The following is an entry in ClinVar:

NM_001267550.2(TTN):c.21826T>A (p.Cys7276Ser)

Gene: TTN (titin; minus strand). Cytogenetic location: 2q31.2.
Variant type: single nucleotide variant.
Coding change: c.21826T>A on transcript NM_001267550.2 (MANE Select); coding-DNA position 21826, T replaced by A.
Protein change: p.Cys7276Ser; replaces cysteine 7276 with serine.
Molecular consequence: missense variant. On other transcripts: intron variant (3).
Genome position (GRCh38, 1-based): chr2:178,723,181, A>T on the plus strand (T>A on the coding strand, the complement: TTN is on the minus strand). VCF-style: chr2-178723181-A-T. GRCh37 (hg19) VCF-style: chr2-179587908-A-T.
Other names: c.18094T>A, p.Cys6032Ser (NM_133378.4); c.13282+14901T>A (NM_003319.4); c.13858+14901T>A (NM_133437.4); c.13657+14901T>A (NM_133432.3); c.20875T>A, p.Cys6959Ser (NM_001256850.1); short protein forms C6032S, C6959S, C7276S.
Identifiers: ClinVar variation 2437418 (VCV002437418.4), dbSNP rs1362677027, ClinGen allele CA349531209.

ClinVar aggregate classification (germline): Uncertain significance. Review status: criteria provided, multiple submitters, no conflicts (2 of 4 stars). 2 submissions from 2 submitters: Uncertain significance (2). Last evaluated 2026-03-05.

Allele frequency attached by ClinVar (database versions not stated): TOPMed below 0.00001; gnomAD 0.00001.
gnomAD v4.1: 4 of 1,613,330 alleles (0.00025%); highest among the groups gnomAD compares: Non-Finnish European, 0.00034%; no homozygotes.

Submissions (2):

GeneDx
Classification: Uncertain significance. Last evaluated: 2026-03-05. Review status: criteria provided, single submitter. Criteria: GeneDx Variant Classification Process June 2021. Collection method: clinical testing. Allele origin: germline.
Comment: Not observed at significant frequency in large population cohorts (gnomAD); Missense variant in a gene in which most reported pathogenic variants are truncating/loss of function; Has not been previously published as pathogenic or benign to our knowledge

Revvity Omics, Revvity
Classification: Uncertain significance. Last evaluated: 2019-08-05. Review status: criteria provided, single submitter. Criteria: ACMG Guidelines, 2015. Collection method: clinical testing. Allele origin: germline.